The following is an entry in ClinVar:

ClinVar aggregate classification (germline): Uncertain significance (1 of 4 stars; one submission).

Conditions:
Hereditary diffuse gastric adenocarcinoma (HDGC). Also called: DIFFUSE GASTRIC AND LOBULAR BREAST CANCER SYNDROME. Identifiers: Orphanet 26106, MedGen C1708349, MONDO:0007648, OMIM 137215.

Submission:

Labcorp Genetics (formerly Invitae), Labcorp
Classification: Uncertain significance for Hereditary diffuse gastric adenocarcinoma. Last evaluated: 2022-08-09. Review status: criteria provided, single submitter. Criteria: Invitae Variant Classification Sherloc (09022015). Collection method: clinical testing. Allele origin: germline.
Comment: In summary, the available evidence is currently insufficient to determine the role of this variant in disease. Therefore, it has been classified as a Variant of Uncertain Significance. Algorithms developed to predict the effect of missense changes on protein structure and function (SIFT, PolyPhen-2, Align-GVGD) all suggest that this variant is likely to be tolerated. ClinVar contains an entry for this variant (Variation ID: 1463493). This variant has not been reported in the literature in individuals affected with CDH1-related conditions. This variant is not present in population databases (gnomAD no frequency). This sequence change replaces alanine, which is neutral and non-polar, with valine, which is neutral and non-polar, at codon 709 of the CDH1 protein (p.Ala709Val).

NM_004360.5(CDH1):c.2126C>T (p.Ala709Val)

Gene: CDH1 (cadherin 1; plus strand). Cytogenetic location: 16q22.1.
Variant type: single nucleotide variant.
Coding change: c.2126C>T on transcript NM_004360.5 (MANE Select); coding-DNA position 2126, C replaced by T.
Protein change: p.Ala709Val; replaces alanine 709 with valine.
Molecular consequence: missense variant.
Genome position (GRCh38, 1-based): chr16:68,823,588, C>T. VCF-style: chr16-68823588-C-T. GRCh37 (hg19) VCF-style: chr16-68857491-C-T.
Other names: c.1943C>T, p.Ala648Val (NM_001317184.2); c.578C>T, p.Ala193Val (NM_001317185.2); c.161C>T, p.Ala54Val (NM_001317186.2); short protein forms A54V, A648V, A193V, A709V.
Identifiers: ClinVar variation 1463493 (VCV001463493.6), dbSNP rs2152139610, ClinGen allele CA396467902.